The following is an entry in ClinVar:

ClinVar aggregate classification (germline): Uncertain significance (1 of 4 stars; one submission).

Conditions:
Cardiovascular phenotype. Identifiers: MedGen CN230736.
Hereditary cancer-predisposing syndrome. Also called: Neoplastic Syndromes, Hereditary; Tumor predisposition; Hereditary Cancer Syndrome; Hereditary neoplastic syndrome. Identifiers: Orphanet 140162, MedGen C0027672, MeSH D009386, MONDO:0015356.

Submission:

Ambry Genetics
Classification: Uncertain significance for Cardiovascular phenotype; Hereditary cancer-predisposing syndrome. Last evaluated: 2026-06-10. Review status: criteria provided, single submitter. Criteria: Ambry Variant Classification Scheme 2023. Collection method: clinical testing. Allele origin: germline.
Comment: The p.L255H variant (also known as c.764T>A), located in coding exon 8 of the LZTR1 gene, results from a T to A substitution at nucleotide position 764. The leucine at codon 255 is replaced by histidine, an amino acid with similar properties. This amino acid position is conserved. In addition, this alteration is predicted to be deleterious by in silico analysis. Based on the available evidence, the clinical significance of this variant remains unclear.

NM_006767.4(LZTR1):c.764T>A (p.Leu255His)

Gene: LZTR1 (leucine zipper like post translational regulator 1; plus strand). Cytogenetic location: 22q11.21.
Variant type: single nucleotide variant.
Coding change: c.764T>A on transcript NM_006767.4 (MANE Select); coding-DNA position 764, T replaced by A.
Protein change: p.Leu255His; replaces leucine 255 with histidine.
Molecular consequence: missense variant.
Genome position (GRCh38, 1-based): chr22:20,990,498, T>A. VCF-style: chr22-20990498-T-A. GRCh37 (hg19) VCF-style: chr22-21344787-T-A.
Other names: short protein forms L255H.
Identifiers: ClinVar variation 4859433 (VCV004859433.1).